The following is an entry in ClinVar:

NM_000202.8(IDS):c.589_592del (p.Pro197fs)

Genes: IDS (iduronate 2-sulfatase; minus strand), LOC106050102 (IDS recombination region; plus strand). Cytogenetic location: Xq28.
Variant type: Deletion.
Coding change: c.589_592del on transcript NM_000202.8 (MANE Select); coding-DNA positions 589 to 592, 4 bases deleted (CCTG; older notation c.589_592delCCTG).
Protein change: p.Pro197fs; shifts the reading frame from proline 197.
Molecular consequence: frameshift variant. On other transcripts: non-coding transcript variant (1).
Genome position (GRCh38, 1-based): chrX:149,498,223-149,498,226, CAGG deleted on the plus strand (CCTG on the coding strand, the reverse complement: IDS is on the minus strand); deleting any 4 consecutive bases within chrX:149,498,223-149,498,228 gives the same sequence; the c. name uses the placement nearest the transcript's 3' end. VCF-style (leftmost placement, unchanged base first): chrX-149498222-TCAGG-T. GRCh37 (hg19) VCF-style: chrX-148579753-TCAGG-T.
Other names: c.319_322del, p.Pro107fs (NM_001166550.4); c.589_592del, p.Pro197fs (NM_006123.5); short protein forms P107fs, P197fs.
Identifiers: ClinVar variation 638080 (VCV000638080.3), dbSNP rs1602742854, ClinGen allele CA915952049.

ClinVar aggregate classification (germline): Pathogenic (1 of 4 stars; one submission).

Conditions:
Mucopolysaccharidosis, MPS-II (MPS2). Also called: IDS deficiency; Sulfoiduronate sulfatase deficiency; SIDS deficiency; Mucopolysaccharidosis type 2; Attenuated MPS (subtype; formerly known as mild MPS II); Severe MPS II. Identifiers: Orphanet 580, Orphanet 79388, MedGen C0026705, MONDO:0010674, OMIM 309900.

Submission:

Laboratory of Diagnosis and Therapy of Lysosomal Disorders, University of Padova
Classification: Pathogenic for Mucopolysaccharidosis, MPS-II. Last evaluated: 2024-06-07. Review status: criteria provided, single submitter. Criteria: ACMG Guidelines, 2015. Collection method: literature only. Allele origin: germline. Affected: yes. Observed: 1 variant allele.
Comment: Null variant (PVS1_VeryStrong), Absent from controls (or at low frequency) in gnomAD database (PM2_Moderate), Patient’s phenotype or family history highly specific for the disease (PP4_Strong)

Classification method: ACMG Guidelines [PMID:25741868] with modifications

Literature cited by the submitters: PubMed 30809705.